The following is an entry in ClinVar:

ClinVar aggregate classification (germline): Conflicting classifications of pathogenicity. Review status: criteria provided, conflicting classifications (1 of 4 stars). 3 submissions from 3 submitters: Uncertain significance (1); Likely benign (1). 1 of the submissions does not count toward it. Last evaluated 2024-10-21.

Conditions:
SLC25A13-related disorder. Also called: SLC25A13-related condition.
Citrin deficiency. Identifiers: Orphanet 247582, MedGen C1997910, MONDO:0016602.

Allele frequency attached by ClinVar (database versions not stated): ExAC 0.00002; gnomAD exomes 0.00002; TOPMed below 0.00001.
gnomAD v4.1: 11 of 1,614,094 alleles (0.00068%); highest among the groups gnomAD compares: Admixed American, 0.017%; no homozygotes.

Submissions (3):

Labcorp Genetics (formerly Invitae), Labcorp
Classification: Likely benign for Citrin deficiency. Last evaluated: 2024-10-21. Review status: criteria provided, single submitter. Criteria: Invitae Variant Classification Sherloc (09022015). Collection method: clinical testing. Allele origin: germline.

Eurofins Ntd Llc (ga)
Classification: Uncertain significance. Last evaluated: 2017-09-14. Review status: criteria provided, single submitter. Criteria: EGL Classification Definitions 2015. Collection method: clinical testing. Allele origin: germline. Observed: 1 variant allele, 1 heterozygote.

PreventionGenetics, part of Exact Sciences
Classification: Likely benign for SLC25A13-related condition. Last evaluated: 2024-05-29. Review status: no assertion criteria provided. Collection method: clinical testing. Allele origin: germline. Not counted in ClinVar's aggregate classification.
Comment: This variant is classified as likely benign based on ACMG/AMP sequence variant interpretation guidelines (Richards et al. 2015 PMID: 25741868, with internal and published modifications).

NM_014251.3(SLC25A13):c.1695C>T (p.Cys565=)

Gene: SLC25A13 (solute carrier family 25 member 13; minus strand). Cytogenetic location: 7q21.3.
Variant type: single nucleotide variant.
Coding change: c.1695C>T on transcript NM_014251.3 (MANE Select); coding-DNA position 1695, C replaced by T.
Protein change: p.Cys565=; no amino-acid change (cysteine 565 retained).
Molecular consequence: synonymous variant. On other transcripts: non-coding transcript variant (1).
Genome position (GRCh38, 1-based): chr7:96,121,894, G>A on the plus strand (C>T on the coding strand, the complement: SLC25A13 is on the minus strand). VCF-style: chr7-96121894-G-A. GRCh37 (hg19) VCF-style: chr7-95751206-G-A.
Other names: c.1695C>T (NM_014251.2); c.1698C>T, p.Cys566= (NM_001160210.2).
Identifiers: ClinVar variation 594072 (VCV000594072.13), dbSNP rs765192701, ClinGen allele CA4352816.